The following is an entry in ClinVar:

NM_000211.5(ITGB2):c.956T>C (p.Ile319Thr)

Gene: ITGB2 (integrin subunit beta 2; minus strand). Cytogenetic location: 21q22.3.
Variant type: single nucleotide variant.
Coding change: c.956T>C on transcript NM_000211.5 (MANE Select); coding-DNA position 956, T replaced by C.
Protein change: p.Ile319Thr; replaces isoleucine 319 with threonine.
Molecular consequence: missense variant.
Genome position (GRCh38, 1-based): chr21:44,899,104, A>G on the plus strand (T>C on the coding strand, the complement: ITGB2 is on the minus strand). VCF-style: chr21-44899104-A-G. GRCh37 (hg19) VCF-style: chr21-46319019-A-G.
Other names: c.956T>C, p.Ile319Thr (NM_001127491.3); c.749T>C, p.Ile250Thr (NM_001303238.2); short protein forms I319T, I250T.
Identifiers: ClinVar variation 645771 (VCV000645771.9), dbSNP rs1601299390, ClinGen allele CA410473475.
Genomic context (GRCh38, chr21:44,899,104, plus strand): 5'-GCTCGGGACCCAACAGCACTCACCTCGTAGGTCTTCACCATCCTACTGGTCACCGCGAAG[A>G]TGGGCTGGATGTTGTTTTCAGCCAGCTTGTGCGCCAGCTGGCCCACCGATGGGTAGTCCT-3'
Protein context (NP_000202.3, residues 309-329): HKLAENNIQP[Ile319Thr]FAVTSRMVKT

ClinVar aggregate classification (germline): Uncertain significance (1 of 4 stars; one submission).

Conditions:
Leukocyte adhesion deficiency 1 (LAD1). Also called: LEUKOCYTE ADHESION DEFICIENCY, TYPE I; LAD 1; Lymphocyte function-associated antigen 1 immunodeficiency; LFA 1 immunodeficiency. Identifiers: Orphanet 2968, Orphanet 99842, MedGen C0398738, MONDO:0007293, OMIM 116920.

Allele frequency attached by ClinVar (database versions not stated): gnomAD exomes below 0.00001; TOPMed below 0.00001; gnomAD 0.00001.
gnomAD v4.1: 4 of 1,614,026 alleles (0.00025%); highest among the groups gnomAD compares: Non-Finnish European, 0.00034%; no homozygotes.

Submission:

Labcorp Genetics (formerly Invitae), Labcorp
Classification: Uncertain significance for Leukocyte adhesion deficiency 1. Last evaluated: 2023-12-22. Review status: criteria provided, single submitter. Criteria: Invitae Variant Classification Sherloc (09022015). Collection method: clinical testing. Allele origin: germline.
Comment: This sequence change replaces isoleucine, which is neutral and non-polar, with threonine, which is neutral and polar, at codon 319 of the ITGB2 protein (p.Ile319Thr). This variant is not present in population databases (gnomAD no frequency). This variant has not been reported in the literature in individuals affected with ITGB2-related conditions. ClinVar contains an entry for this variant (Variation ID: 645771). Advanced modeling of protein sequence and biophysical properties (such as structural, functional, and spatial information, amino acid conservation, physicochemical variation, residue mobility, and thermodynamic stability) has been performed at Invitae for this missense variant, however the output from this modeling did not meet the statistical confidence thresholds required to predict the impact of this variant on ITGB2 protein function. In summary, the available evidence is currently insufficient to determine the role of this variant in disease. Therefore, it has been classified as a Variant of Uncertain Significance.